The following is an entry in ClinVar:

NC_000016.9:g.(?_1574533)_(1576817_?)del

Gene: IFT140 (intraflagellar transport 140; minus strand). Cytogenetic location: 16p13.3.
Variant type: Deletion.
Identifiers: ClinVar variation 2425966 (VCV002425966.4).

ClinVar aggregate classification (germline): Pathogenic (1 of 4 stars; one submission).

Conditions:
Saldino-Mainzer syndrome (SRTD9). Also called: CONORENAL SYNDROME; Renal dysplasia, retinal pigmentary dystrophy, cerebellar ataxia and skeletal dysplasia; SHORT-RIB THORACIC DYSPLASIA 9 WITHOUT POLYDACTYLY; short-rib thoracic dysplasia 9 with or without polydactyly. Identifiers: Orphanet 140969, MedGen C1849437, MONDO:0009964, OMIM 266920.

Submission:

Labcorp Genetics (formerly Invitae), Labcorp
Classification: Pathogenic for Saldino-Mainzer syndrome. Last evaluated: 2022-12-30. Review status: criteria provided, single submitter. Criteria: Invitae Variant Classification Sherloc (09022015). Collection method: clinical testing. Allele origin: germline.
Comment: For these reasons, this variant has been classified as Pathogenic. This variant has not been reported in the literature in individuals affected with IFT140-related conditions. This variant is a gross deletion of the genomic region encompassing exon(s) 20-24 of the IFT140 gene. This deletion is out-of-frame, and is expected to create a premature termination codon and result in an absent or disrupted protein product. Loss-of-function variants in IFT140 are known to be pathogenic (PMID: 22503633, 23418020, 24009529, 26216056).

Literature cited by the submitters: PubMed 22503633; PubMed 23418020; PubMed 24009529; PubMed 26216056.